The following is an entry in ClinVar:

ClinVar aggregate classification (germline): Likely benign (1 of 4 stars; one submission).

Allele frequency attached by ClinVar (database versions not stated): 1000 Genomes Project 30x 0.00297; 1000 Genomes Project 0.00339.
gnomAD v4.1: 511 of 152,268 alleles (0.34%); highest among the groups gnomAD compares: African/African-American, 1.2%; 5 homozygotes.

Submission:

GeneDx
Classification: Likely benign. Last evaluated: 2020-12-03. Review status: criteria provided, single submitter. Criteria: GeneDx Variant Classification Process June 2021. Collection method: clinical testing. Allele origin: germline. Affected: yes.
Comment: See Variant Classification Assertion Criteria.

NM_000213.5(ITGB4):c.1991-155G>A

Gene: ITGB4 (integrin subunit beta 4; plus strand). Cytogenetic location: 17q25.1.
Variant type: single nucleotide variant.
Coding change: c.1991-155G>A on transcript NM_000213.5 (MANE Select); 155 bases into the intron before coding-DNA position 1991, G replaced by A.
Molecular consequence: intron variant.
Genome position (GRCh38, 1-based): chr17:75,737,167, G>A. VCF-style: chr17-75737167-G-A. GRCh37 (hg19) VCF-style: chr17-73733248-G-A.
Other names: c.1991-155G>A (NM_001005619.2, NM_001005731.3, NM_001438834.1 and 1 more transcripts).
Identifiers: ClinVar variation 1706947 (VCV001706947.2), dbSNP rs141440057, ClinGen allele CA294066487.
Genomic context (GRCh38, chr17:75,737,167, plus strand): 5'-GTTTCTAGGCTCTGATGCTCCTGAGCAGGGGAGCCCCCACCACACCCGTTCCTGTGCCTG[G>A]TGAGAGCACGGCTTTGCAAGGACTTCCACTCTTCCCCAGGAGGCCCTGCCGTGGGTGAGG-3'